The following is an entry in ClinVar:

ClinVar aggregate classification (germline): Pathogenic (1 of 4 stars; one submission).

Conditions:
Joubert syndrome 22 (JBTS22). Identifiers: Orphanet 2754, MedGen C3810278, MONDO:0014297, OMIM 615665.

Submission:

Labcorp Genetics (formerly Invitae), Labcorp
Classification: Pathogenic for Joubert syndrome 22. Last evaluated: 2022-03-29. Review status: criteria provided, single submitter. Criteria: Invitae Variant Classification Sherloc (09022015). Collection method: clinical testing. Allele origin: germline.
Comment: This variant is a gross deletion of the genomic region encompassing exon(s) 1 of the PDE6D gene, which includes the initiator codon. This deletion extends beyond the assayed region for this gene and therefore may encompass additional genes. It is expected to result in an absent or disrupted protein product. Loss-of-function variants in PDE6D are known to be pathogenic (PMID: 17496142, 24166846). This variant has not been reported in the literature in individuals affected with PDE6D-related conditions. For these reasons, this variant has been classified as Pathogenic.

Literature cited by the submitters: PubMed 17496142; PubMed 24166846.

NC_000002.11:g.(?_232645755)_(232645824_?)del

Gene: PDE6D (phosphodiesterase 6D; minus strand). Cytogenetic location: 2q37.1.
Variant type: Deletion.
Identifiers: ClinVar variation 2424497 (VCV002424497.4).